The following is an entry in ClinVar:

ClinVar aggregate classification (germline): Pathogenic. Review status: criteria provided, multiple submitters, no conflicts (2 of 4 stars). 5 submissions from 5 submitters: Pathogenic (4). 1 of the submissions does not count toward it. Last evaluated 2024-11-05.

Conditions:
H syndrome. Also called: HISTIOCYTOSIS AND LYMPHADENOPATHY WITH OR WITHOUT CUTANEOUS, CARDIAC, AND/OR ENDOCRINE FEATURES, JOINT CONTRACTURES, AND/OR DEAFNESS; HYPERPIGMENTATION, CUTANEOUS, WITH HYPERTRICHOSIS, HEPATOSPLENOMEGALY, HEART ANOMALIES, AND HYPOGONADISM WITH OR WITHOUT HEARING LOSS; PIGMENTED HYPERTRICHOSIS WITH INSULIN-DEPENDENT DIABETES MELLITUS; ROSAI-DORFMAN DISEASE, FAMILIAL; SINUS HISTIOCYTOSIS AND MASSIVE LYMPHADENOPATHY; Hyperpigmentation, Cutaneous, with Hypertrichosis, Hepatosplenomegaly, Heart Anomalies, Hearing Loss, and Hypogonadism. Identifiers: Orphanet 168569, MedGen C1864445, MONDO:0011273, OMIM 602782.

Allele frequency attached by ClinVar (database versions not stated): gnomAD 0.00001; TOPMed 0.00002; gnomAD exomes 0.00006; ExAC 0.00007.
gnomAD v4.1: 28 of 1,612,640 alleles (0.0017%); highest among the groups gnomAD compares: South Asian, 0.022%; no homozygotes.

Submissions (5):

Labcorp Genetics (formerly Invitae), Labcorp
Classification: Pathogenic for H syndrome. Last evaluated: 2024-11-05. Review status: criteria provided, single submitter. Criteria: Invitae Variant Classification Sherloc (09022015). Collection method: clinical testing. Allele origin: germline.
Comment: This sequence change affects a donor splice site in intron 2 of the SLC29A3 gene. It is expected to disrupt RNA splicing. Variants that disrupt the donor or acceptor splice site typically lead to a loss of protein function (PMID: 16199547), and loss-of-function variants in SLC29A3 are known to be pathogenic (PMID: 19336477, 20595384, 23406517, 25963354). This variant is present in population databases (rs587780463, gnomAD 0.03%). Disruption of this splice site has been observed in individuals with SLC29A3-related conditions (PMID: 20140240, 27215564). ClinVar contains an entry for this variant (Variation ID: 130339). Algorithms developed to predict the effect of sequence changes on RNA splicing suggest that this variant may disrupt the consensus splice site. For these reasons, this variant has been classified as Pathogenic.

Women's Health and Genetics/Laboratory Corporation of America, LabCorp
Classification: Pathogenic for H syndrome. Last evaluated: 2024-09-04. Review status: criteria provided, single submitter. Criteria: LabCorp Variant Classification Summary - May 2015. Collection method: clinical testing. Allele origin: germline.
Comment: Variant summary: SLC29A3 c.300+1G>A is located in a canonical splice-site and is predicted to affect mRNA splicing resulting in a significantly altered protein due to either exon skipping, shortening, or inclusion of intronic material. Variants that disrupt the consensus splice site are a relatively common cause of aberrant splicing and loss of SLC29A3 function. Several computational tools predict a significant impact on normal splicing: Four predict the variant abolishes a canonical 5' splicing donor site. The variant allele was found at a frequency of 6.4e-05 in 248162 control chromosomes. This frequency is not significantly higher than estimated for a pathogenic variant in SLC29A3 causing H Syndrome (6.4e-05 vs 0.0011), allowing no conclusion about variant significance. c.300+1G>A has been reported in the literature in homozygous individuals affected with Faisalabad histiocytosis (examples: Mistry_2016, Morgan_2010). These data indicate that the variant is likely to be associated with disease. The following publications have been ascertained in the context of this evaluation (PMID: 27215564, 20140240). ClinVar contains an entry for this variant (Variation ID: 130339). Based on the evidence outlined above, the variant was classified as pathogenic.

3billion
Classification: Pathogenic for H syndrome. Last evaluated: 2022-01-03. Review status: criteria provided, single submitter. Criteria: ACMG Guidelines, 2015. Collection method: clinical testing. Allele origin: germline. Affected: yes. Observed: 1 homozygote.
Comment: Canonical splice site: predicted to alter splicing and result in a loss or disruption of normal protein function through protein truncation. Multiple pathogenic variants are reported in the predicted truncated region (PVS1_VS).The variant has been reported at least twice as pathogenic/likely pathogenic with clinical assertions and evidence for the classification (ClinVar ID: VCV000130339).It is observed at an extremely low frequency in the gnomAD v2.1.1 dataset (total allele frequency: 0.000064, PM2_M). Therefore, this variant is classified as pathogenic according to the recommendation of ACMG/AMP guideline.

Genetic Services Laboratory, University of Chicago
Classification: Pathogenic for Histiocytosis-lymphadenopathy plus syndrome. Last evaluated: 2014-02-03. Review status: criteria provided, single submitter. Criteria: ACMG Guidelines, 2007. Collection method: clinical testing. Allele origin: germline. Inheritance: Autosomal recessive inheritance. Affected: yes.

OMIM
Classification: Pathogenic for HISTIOCYTOSIS-LYMPHADENOPATHY PLUS SYNDROME. Last evaluated: 2010-02-05. Review status: no assertion criteria provided. Collection method: literature only. Allele origin: germline. Not counted in ClinVar's aggregate classification.

Literature cited by the submitters: PubMed 16199547 (cited by Labcorp Genetics (formerly Invitae), Labcorp); PubMed 19336477 (cited by Labcorp Genetics (formerly Invitae), Labcorp); PubMed 20595384 (cited by Labcorp Genetics (formerly Invitae), Labcorp); PubMed 23406517 (cited by Labcorp Genetics (formerly Invitae), Labcorp); PubMed 25963354 (cited by Labcorp Genetics (formerly Invitae), Labcorp); PubMed 20140240 (cited by 3 submitters); PubMed 27215564 (cited by Labcorp Genetics (formerly Invitae), Labcorp and Women's Health and Genetics/Laboratory Corporation of America, LabCorp); PubMed 9545394 (cited by OMIM).

NM_018344.6(SLC29A3):c.300+1G>A

Gene: SLC29A3 (solute carrier family 29 member 3; plus strand). Cytogenetic location: 10q22.1.
Variant type: single nucleotide variant.
Coding change: c.300+1G>A on transcript NM_018344.6 (MANE Select); the canonical splice donor site of the intron after coding-DNA position 300, G replaced by A.
Molecular consequence: splice donor variant.
Genome position (GRCh38, 1-based): chr10:71,323,055, G>A. VCF-style: chr10-71323055-G-A. GRCh37 (hg19) VCF-style: chr10-73082812-G-A.
Other names: IVS2, G-A, +1; c.66+1G>A (NM_001363518.2); c.300+1G>A (NM_001174098.2).
Identifiers: ClinVar variation 130339 (VCV000130339.23), dbSNP rs587780463, ClinGen allele CA155238.
Genomic context (GRCh38, chr10:71,323,055, plus strand): 5'-AAACTCCGCAACTCCTCCAGCCCAGCCACCGGGGAGGACCCTGAGGGCTCAGACATCCTG[G>A]TAAGGGCATGTTTCTCCTGCAAGGCTGGTGGGAGCATACAGAGGCCTCATGCCTCACATG-3'